The following is an entry in ClinVar:

NM_001286577.2(C2CD3):c.5306T>C (p.Ile1769Thr)

Gene: C2CD3 (C2 domain containing 3 centriole elongation regulator; minus strand). Cytogenetic location: 11q13.4.
Variant type: single nucleotide variant.
Coding change: c.5306T>C on transcript NM_001286577.2 (MANE Select); coding-DNA position 5306, T replaced by C.
Protein change: p.Ile1769Thr; replaces isoleucine 1769 with threonine.
Molecular consequence: missense variant.
Genome position (GRCh38, 1-based): chr11:74,049,392, A>G on the plus strand (T>C on the coding strand, the complement: C2CD3 is on the minus strand). VCF-style: chr11-74049392-A-G. GRCh37 (hg19) VCF-style: chr11-73760437-A-G.
Other names: c.5306T>C, p.Ile1769Thr (NM_015531.6); short protein forms I1769T.
Identifiers: ClinVar variation 4693601 (VCV004693601.1).
Genomic context (GRCh38, chr11:74,049,392, plus strand): 5'-CATACCAGTGATTTTGAGGTCTCCACTCCACGCCTTGCTTGCCTTTCTTCTTTGAAGTGT[A>G]TCAAACTCTCCAAAGGGGAGACAGCAACTTTTATCTGCCCCTGGCACTCTCCACTGAAGT-3'
Protein context (NP_001273506.1, residues 1759-1779): KVAVSPLESL[Ile1769Thr]HFKEERQARR

ClinVar aggregate classification (germline): Uncertain significance (1 of 4 stars; one submission).

gnomAD v4.1: 21 of 1,613,988 alleles (0.0013%); highest among the groups gnomAD compares: Non-Finnish European, 0.0018%; no homozygotes.

Submission:

Labcorp Genetics (formerly Invitae), Labcorp
Classification: Uncertain significance. Last evaluated: 2025-04-29. Review status: criteria provided, single submitter. Criteria: Invitae Variant Classification Sherloc (09022015). Collection method: clinical testing. Allele origin: germline.
Comment: This sequence change replaces isoleucine, which is neutral and non-polar, with threonine, which is neutral and polar, at codon 1769 of the C2CD3 protein (p.Ile1769Thr). This variant is present in population databases (rs148217159, gnomAD 0.005%). This variant has not been reported in the literature in individuals affected with C2CD3-related conditions. Invitae Evidence Modeling of protein sequence and biophysical properties (such as structural, functional, and spatial information, amino acid conservation, physicochemical variation, residue mobility, and thermodynamic stability) indicates that this missense variant is not expected to disrupt C2CD3 protein function with a negative predictive value of 80%. In summary, the available evidence is currently insufficient to determine the role of this variant in disease. Therefore, it has been classified as a Variant of Uncertain Significance.